The following is an entry in ClinVar:

ClinVar aggregate classification (germline): Uncertain significance. Review status: criteria provided, multiple submitters, no conflicts (2 of 4 stars). 2 submissions from 2 submitters: Uncertain significance (2). Last evaluated 2024-10-25.

Conditions:
Inborn genetic diseases. Identifiers: MedGen C0950123, MeSH D030342.

Allele frequency attached by ClinVar (database versions not stated): gnomAD exomes 0.00004; ExAC 0.00012; TOPMed 0.00012; gnomAD 0.00015.

Submissions (2):

Labcorp Genetics (formerly Invitae), Labcorp
Classification: Uncertain significance. Last evaluated: 2024-10-25. Review status: criteria provided, single submitter. Criteria: Invitae Variant Classification Sherloc (09022015). Collection method: clinical testing. Allele origin: germline.
Comment: This sequence change replaces arginine, which is basic and polar, with cysteine, which is neutral and slightly polar, at codon 310 of the SLC34A3 protein (p.Arg310Cys). This variant is present in population databases (rs755435479, gnomAD 0.04%). This variant has not been reported in the literature in individuals affected with SLC34A3-related conditions. ClinVar contains an entry for this variant (Variation ID: 2184541). An algorithm developed to predict the effect of missense changes on protein structure and function (PolyPhen-2) suggests that this variant¬†is likely to be tolerated. In summary, the available evidence is currently insufficient to determine the role of this variant in disease. Therefore, it has been classified as a Variant of Uncertain Significance.

Ambry Genetics
Classification: Uncertain significance for Inborn genetic diseases. Last evaluated: 2022-05-27. Review status: criteria provided, single submitter. Criteria: Ambry Variant Classification Scheme 2023. Collection method: clinical testing. Allele origin: germline.

NM_001177316.2(SLC34A3):c.928C>T (p.Arg310Cys)

Gene: SLC34A3 (solute carrier family 34 member 3; plus strand). Cytogenetic location: 9q34.3.
Variant type: single nucleotide variant.
Coding change: c.928C>T on transcript NM_001177316.2 (MANE Select); coding-DNA position 928, C replaced by T.
Protein change: p.Arg310Cys; replaces arginine 310 with cysteine.
Molecular consequence: missense variant.
Genome position (GRCh38, 1-based): chr9:137,234,111, C>T. VCF-style: chr9-137234111-C-T. GRCh37 (hg19) VCF-style: chr9-140128563-C-T.
Other names: c.928C>T, p.Arg310Cys (NM_001177317.2, NM_080877.3); c.928C>T (NM_080877.2); short protein forms R310C.
Identifiers: ClinVar variation 2184541 (VCV002184541.3), dbSNP rs755435479, ClinGen allele CA5364702.